The following is an entry in ClinVar:

ClinVar aggregate classification (germline): Uncertain significance (1 of 4 stars; one submission).

Submission:

Dasa
Classification: Uncertain significance. Last evaluated: 2025-01-30. Review status: criteria provided, single submitter. Criteria: DASA Assertion Criteria. Collection method: clinical testing. Allele origin: germline.
Comment: NM_001098511.3(KIF2A):c.2149+1G>A affects a canonical splice site and is predicted to disrupt normal RNA splicing. This variant is absent from population databases. The currently available literature and clinical evidence are not sufficient to establish a definitive association between this variant and the reported condition. Therefore, this variant is classified as a variant of uncertain significance.

NM_001098511.3(KIF2A):c.2149+1G>A

Gene: KIF2A (kinesin family member 2A; plus strand). Cytogenetic location: 5q12.1.
Variant type: single nucleotide variant.
Coding change: c.2149+1G>A on transcript NM_001098511.3 (MANE Select); the canonical splice donor site of the intron after coding-DNA position 2149, G replaced by A.
Molecular consequence: splice donor variant.
Genome position (GRCh38, 1-based): chr5:62,381,254, G>A. VCF-style: chr5-62381254-G-A. GRCh37 (hg19) VCF-style: chr5-61677081-G-A.
Other names: c.1954+1G>A (NM_001243952.2); c.2035+1G>A (NM_004520.5); c.1978+1G>A (NM_001243953.2).
Identifiers: ClinVar variation 4886747 (VCV004886747.2).